The following is an entry in ClinVar:

ClinVar aggregate classification (germline): Uncertain significance (1 of 4 stars; one submission).

Allele frequency attached by ClinVar (database versions not stated): gnomAD exomes below 0.00001.
gnomAD v4.1: 1 of 1,614,174 alleles (0.000062%); highest among the groups gnomAD compares: Non-Finnish European, 0.000085%; no homozygotes.

Submission:

Labcorp Genetics (formerly Invitae), Labcorp
Classification: Uncertain significance. Last evaluated: 2022-03-11. Review status: criteria provided, single submitter. Criteria: Invitae Variant Classification Sherloc (09022015). Collection method: clinical testing. Allele origin: germline.
Comment: This variant has not been reported in the literature in individuals affected with CNGB3-related conditions. In summary, the available evidence is currently insufficient to determine the role of this variant in disease. Therefore, it has been classified as a Variant of Uncertain Significance. Advanced modeling of protein sequence and biophysical properties (such as structural, functional, and spatial information, amino acid conservation, physicochemical variation, residue mobility, and thermodynamic stability) performed at Invitae indicates that this missense variant is expected to disrupt CNGB3 protein function. This variant is not present in population databases (gnomAD no frequency). This sequence change replaces phenylalanine, which is neutral and non-polar, with serine, which is neutral and polar, at codon 613 of the CNGB3 protein (p.Phe613Ser).

NM_019098.5(CNGB3):c.1838T>C (p.Phe613Ser)

Gene: CNGB3 (cyclic nucleotide gated channel subunit beta 3; minus strand). Cytogenetic location: 8q21.3.
Variant type: single nucleotide variant.
Coding change: c.1838T>C on transcript NM_019098.5 (MANE Select); coding-DNA position 1838, T replaced by C.
Protein change: p.Phe613Ser; replaces phenylalanine 613 with serine.
Molecular consequence: missense variant.
Genome position (GRCh38, 1-based): chr8:86,579,196, A>G on the plus strand (T>C on the coding strand, the complement: CNGB3 is on the minus strand). VCF-style: chr8-86579196-A-G. GRCh37 (hg19) VCF-style: chr8-87591424-A-G.
Other names: short protein forms F613S.
Identifiers: ClinVar variation 2109417 (VCV002109417.4), dbSNP rs2538028877, ClinGen allele CA371447941.